The following is an entry in ClinVar:

ClinVar aggregate classification (germline): Uncertain significance (1 of 4 stars; one submission).

Allele frequency attached by ClinVar (database versions not stated): gnomAD exomes below 0.00001 and 0.00001; gnomAD 0.00001; ExAC 0.00002.
gnomAD v4.1: 3 of 1,607,534 alleles (0.00019%); highest among the groups gnomAD compares: Admixed American, 0.005%; no homozygotes.

Submission:

Labcorp Genetics (formerly Invitae), Labcorp
Classification: Uncertain significance. Last evaluated: 2021-08-28. Review status: criteria provided, single submitter. Criteria: Invitae Variant Classification Sherloc (09022015). Collection method: clinical testing. Allele origin: germline.
Comment: This sequence change replaces isoleucine with valine at codon 195 of the PNPT1 protein (p.Ile195Val). The isoleucine residue is weakly conserved and there is a small physicochemical difference between isoleucine and valine. This variant is present in population databases (rs747636323, ExAC 0.02%). This variant has not been reported in the literature in individuals affected with PNPT1-related conditions. Advanced modeling of protein sequence and biophysical properties (such as structural, functional, and spatial information, amino acid conservation, physicochemical variation, residue mobility, and thermodynamic stability) performed at Invitae indicates that this missense variant is not expected to disrupt PNPT1 protein function. Algorithms developed to predict the effect of sequence changes on RNA splicing suggest that this variant may create or strengthen a splice site. In summary, the available evidence is currently insufficient to determine the role of this variant in disease. Therefore, it has been classified as a Variant of Uncertain Significance.

NM_033109.5(PNPT1):c.583A>G (p.Ile195Val)

Gene: PNPT1 (polyribonucleotide nucleotidyltransferase 1; minus strand). Cytogenetic location: 2p16.1.
Variant type: single nucleotide variant.
Coding change: c.583A>G on transcript NM_033109.5 (MANE Select); coding-DNA position 583, A replaced by G.
Protein change: p.Ile195Val; replaces isoleucine 195 with valine.
Molecular consequence: missense variant.
Genome position (GRCh38, 1-based): chr2:55,679,778, T>C on the plus strand (A>G on the coding strand, the complement: PNPT1 is on the minus strand). VCF-style: chr2-55679778-T-C. GRCh37 (hg19) VCF-style: chr2-55906913-T-C.
Other names: short protein forms I195V.
Identifiers: ClinVar variation 1476294 (VCV001476294.5), dbSNP rs747636323, ClinGen allele CA1668395.